The following is an entry in ClinVar:

NM_000566.4(FCGR1A):c.36A>T (p.Pro12=)

Genes: FCGR1A (Fc gamma receptor Ia; plus strand), H2BC18 (H2B clustered histone 18; minus strand). Cytogenetic location: 1q21.2.
Variant type: single nucleotide variant.
Coding change: c.36A>T on transcript NM_000566.4 (MANE Select); coding-DNA position 36, A replaced by T.
Protein change: p.Pro12=; no amino-acid change (proline 12 retained).
Molecular consequence: synonymous variant. On other transcripts: 5 prime UTR variant (1), non-coding transcript variant (3), 3 prime UTR variant (1), intron variant (3).
Genome position (GRCh38, 1-based): chr1:149,783,174, A>T. VCF-style: chr1-149783174-A-T. GRCh37 (hg19) VCF-style: chr1-149754730-A-T.
Other names: c.36A>T, p.Pro12= (NM_001378804.1, NM_001378806.1, NM_001378808.1 and 1 more transcripts); c.-5A>T (NM_001378807.1); c.*59T>A (NM_001161334.2); c.31+400A>T (NM_001378805.1, NM_001378810.1, NM_001378811.1).
Identifiers: ClinVar variation 4281497 (VCV004281497.7).

ClinVar aggregate classification (germline): Likely benign (1 of 4 stars; one submission).

Submission:

CeGaT Center for Human Genetics Tuebingen
Classification: Likely benign. Last evaluated: 2025-09-01. Review status: criteria provided, single submitter. Criteria: CeGaT Center For Human Genetics Tuebingen Variant Classification Criteria Version 2. Collection method: clinical testing. Allele origin: germline. Affected: yes. Observed: 1 variant allele.
Comment: FCGR1A: BP4, BP7